The following is an entry in ClinVar:

NM_000465.4(BARD1):c.1391C>G (p.Pro464Arg)

Gene: BARD1 (BRCA1 associated RING domain 1; minus strand). Cytogenetic location: 2q35.
Variant type: single nucleotide variant.
Coding change: c.1391C>G on transcript NM_000465.4 (MANE Select); coding-DNA position 1391, C replaced by G.
Protein change: p.Pro464Arg; replaces proline 464 with arginine.
Molecular consequence: missense variant. On other transcripts: non-coding transcript variant (3), intron variant (3).
Genome position (GRCh38, 1-based): chr2:214,769,236, G>C on the plus strand (C>G on the coding strand, the complement: BARD1 is on the minus strand). VCF-style: chr2-214769236-G-C. GRCh37 (hg19) VCF-style: chr2-215633960-G-C.
Other names: c.1334C>G, p.Pro445Arg (NM_001282543.2); c.159-16681C>G (NM_001282548.2); c.216-16681C>G (NM_001282545.2); c.364+23061C>G (NM_001282549.2); c.1391C>G (NM_000465.2); short protein forms P445R, P464R.
Identifiers: ClinVar variation 2976867 (VCV002976867.4), dbSNP rs2106081070, ClinGen allele CA350450069.

ClinVar aggregate classification (germline): Uncertain significance. Review status: criteria provided, multiple submitters, no conflicts (2 of 4 stars). 2 submissions from 2 submitters: Uncertain significance (2). Last evaluated 2026-01-04.

Conditions:
Hereditary cancer-predisposing syndrome. Also called: Tumor predisposition; Neoplastic Syndromes, Hereditary; Hereditary Cancer Syndrome; Hereditary neoplastic syndrome. Identifiers: Orphanet 140162, MedGen C0027672, MeSH D009386, MONDO:0015356.
Familial cancer of breast. Also called: BREAST CANCER, FAMILIAL; Hereditary breast cancer; hereditary breast carcinoma. Identifiers: Orphanet 227535, MedGen C0346153, MONDO:0016419, OMIM 114480. Disease mechanism: loss of function.

Submissions (2):

Ambry Genetics
Classification: Uncertain significance for Hereditary cancer-predisposing syndrome. Last evaluated: 2026-01-04. Review status: criteria provided, single submitter. Criteria: Ambry Variant Classification Scheme 2023. Collection method: clinical testing. Allele origin: germline.
Comment: The p.P464R variant (also known as c.1391C>G), located in coding exon 5 of the BARD1 gene, results from a C to G substitution at nucleotide position 1391. The proline at codon 464 is replaced by arginine, an amino acid with dissimilar properties. This amino acid position is conserved. In addition, this alteration is predicted to be deleterious by in silico analysis. Based on the available evidence, the clinical significance of this variant remains unclear.

Labcorp Genetics (formerly Invitae), Labcorp
Classification: Uncertain significance for Familial cancer of breast. Last evaluated: 2023-10-15. Review status: criteria provided, single submitter. Criteria: Invitae Variant Classification Sherloc (09022015). Collection method: clinical testing. Allele origin: germline.
Comment: This sequence change replaces proline, which is neutral and non-polar, with arginine, which is basic and polar, at codon 464 of the BARD1 protein (p.Pro464Arg). This variant is not present in population databases (gnomAD no frequency). This variant has not been reported in the literature in individuals affected with BARD1-related conditions. An algorithm developed to predict the effect of missense changes on protein structure and function (PolyPhen-2) suggests that this variant is likely to be disruptive. In summary, the available evidence is currently insufficient to determine the role of this variant in disease. Therefore, it has been classified as a Variant of Uncertain Significance.